The following is an entry in ClinVar:

ClinVar aggregate classification (germline): Uncertain significance (1 of 4 stars; one submission).

Allele frequency attached by ClinVar (database versions not stated): gnomAD exomes below 0.00001; ExAC 0.00001.
gnomAD v4.1: 4 of 1,611,236 alleles (0.00025%); highest among the groups gnomAD compares: Non-Finnish European, 0.00017%; no homozygotes.

Submission:

Labcorp Genetics (formerly Invitae), Labcorp
Classification: Uncertain significance. Last evaluated: 2021-12-02. Review status: criteria provided, single submitter. Criteria: Invitae Variant Classification Sherloc (09022015). Collection method: clinical testing. Allele origin: germline.
Comment: In summary, the available evidence is currently insufficient to determine the role of this variant in disease. Therefore, it has been classified as a Variant of Uncertain Significance. Algorithms developed to predict the effect of missense changes on protein structure and function are either unavailable or do not agree on the potential impact of this missense change (SIFT: "Tolerated"; PolyPhen-2: "Probably Damaging"; Align-GVGD: "Class C0"). This sequence change replaces glutamic acid, which is acidic and polar, with lysine, which is basic and polar, at codon 768 of the REPS1 protein (p.Glu768Lys). This variant is present in population databases (rs779589251, gnomAD 0.0009%). This variant has not been reported in the literature in individuals affected with REPS1-related conditions.

NM_001286611.2(REPS1):c.2302G>A (p.Glu768Lys)

Gene: REPS1 (RALBP1 associated Eps domain containing 1; minus strand). Cytogenetic location: 6q24.1.
Variant type: single nucleotide variant.
Coding change: c.2302G>A on transcript NM_001286611.2 (MANE Select); coding-DNA position 2302, G replaced by A.
Protein change: p.Glu768Lys; replaces glutamic acid 768 with lysine.
Molecular consequence: missense variant.
Genome position (GRCh38, 1-based): chr6:138,907,515, C>T on the plus strand (G>A on the coding strand, the complement: REPS1 is on the minus strand). VCF-style: chr6-138907515-C-T. GRCh37 (hg19) VCF-style: chr6-139228652-C-T.
Other names: c.2221G>A, p.Glu741Lys (NM_001128617.3); c.2029G>A, p.Glu677Lys (NM_001286612.2); c.2299G>A, p.Glu767Lys (NM_031922.5); short protein forms E677K, E741K, E767K, E768K.
Identifiers: ClinVar variation 1478979 (VCV001478979.8), dbSNP rs779589251, ClinGen allele CA4023887.